The following is an entry in ClinVar:

NM_000238.4(KCNH2):c.2399-108_2488del

Gene: KCNH2 (potassium voltage-gated channel subfamily H member 2; minus strand). Cytogenetic location: 7q36.1.
Variant type: Deletion.
Coding change: c.2399-108_2488del on transcript NM_000238.4 (MANE Select); 108 bases into the intron before coding-DNA position 2399 through coding-DNA position 2488, 198 bases deleted.
Molecular consequence: splice acceptor variant.
Genome position (GRCh38, 1-based): chr7:150,948,960-150,949,157, 198 bases deleted. GRCh37 (hg19): chr7:150,646,052-150,646,249.
Other names: c.1379-108_1468del (NM_172057.3).
Identifiers: ClinVar variation 1499958 (VCV001499958.6), dbSNP rs2116940777, ClinGen allele CA2573141856.

ClinVar aggregate classification (germline): Likely pathogenic (1 of 4 stars; one submission).

Conditions:
Long QT syndrome (LQTS). Identifiers: MedGen C0023976, MeSH D008133, MONDO:0002442. Disease mechanism: loss of function. Inheritance: Various modes of inheritance.

Submission:

Labcorp Genetics (formerly Invitae), Labcorp
Classification: Likely pathogenic for Long QT syndrome. Last evaluated: 2020-12-08. Review status: criteria provided, single submitter. Criteria: Invitae Variant Classification Sherloc (09022015). Collection method: clinical testing. Allele origin: germline.
Comment: This variant results in the deletion of part of exon 10 (c.2399-108_2488del) of the KCNH2 gene. It is expected to disrupt RNA splicing. Variants that disrupt the donor or acceptor splice site typically lead to a loss of protein function (PMID: 16199547), and loss-of-function variants in KCNH2 are known to be pathogenic (PMID: 10973849, 19862833). This variant is not present in population databases (ExAC no frequency). This variant has not been reported in the literature in individuals with KCNH2-related conditions. In summary, the currently available evidence indicates that the variant is pathogenic, but additional data are needed to prove that conclusively. Therefore, this variant has been classified as Likely Pathogenic.

Literature cited by the submitters: PubMed 16199547; PubMed 10973849; PubMed 19862833.